The following is an entry in ClinVar:

NM_001271.4(CHD2):c.5032C>T (p.Arg1678Trp)

Gene: CHD2 (chromodomain helicase DNA binding protein 2; plus strand). Cytogenetic location: 15q26.1.
Variant type: single nucleotide variant.
Coding change: c.5032C>T on transcript NM_001271.4 (MANE Select); coding-DNA position 5032, C replaced by T.
Protein change: p.Arg1678Trp; replaces arginine 1678 with tryptophan.
Molecular consequence: missense variant.
Genome position (GRCh38, 1-based): chr15:93,020,137, C>T. VCF-style: chr15-93020137-C-T. GRCh37 (hg19) VCF-style: chr15-93563367-C-T.
Other names: short protein forms R1678W.
Identifiers: ClinVar variation 966207 (VCV000966207.10), dbSNP rs767024945, ClinGen allele CA7748626.

ClinVar aggregate classification (germline): Uncertain significance (1 of 4 stars; one submission).

Conditions:
Developmental and epileptic encephalopathy 94 (DEE94). Also called: Epileptic encephalopathy, childhood-onset; CHD2-Related Neurodevelopmental Disorders. Identifiers: Orphanet 1942, Orphanet 2382, MedGen C3809278, MONDO:0014150, OMIM 615369.

Allele frequency attached by ClinVar (database versions not stated): ExAC 0.00001; gnomAD exomes 0.00002 and 0.00003; TOPMed 0.00002; gnomAD 0.00003 and 0.00004.
gnomAD v4.1: 46 of 1,613,794 alleles (0.0029%); highest among the groups gnomAD compares: Middle Eastern, 0.016%; no homozygotes.

Submission:

Labcorp Genetics (formerly Invitae), Labcorp
Classification: Uncertain significance for Developmental and epileptic encephalopathy 94. Last evaluated: 2023-12-14. Review status: criteria provided, single submitter. Criteria: Invitae Variant Classification Sherloc (09022015). Collection method: clinical testing. Allele origin: germline.
Comment: This sequence change replaces arginine, which is basic and polar, with tryptophan, which is neutral and slightly polar, at codon 1678 of the CHD2 protein (p.Arg1678Trp). This variant is present in population databases (rs767024945, gnomAD 0.01%). This missense change has been observed in individual(s) with clinical features of CHD2-related conditions (PMID: 33004838). ClinVar contains an entry for this variant (Variation ID: 966207). Advanced modeling of protein sequence and biophysical properties (such as structural, functional, and spatial information, amino acid conservation, physicochemical variation, residue mobility, and thermodynamic stability) performed at Invitae indicates that this missense variant is not expected to disrupt CHD2 protein function with a negative predictive value of 95%. In summary, the available evidence is currently insufficient to determine the role of this variant in disease. Therefore, it has been classified as a Variant of Uncertain Significance.

Literature cited by the submitters: PubMed 33004838.